The following is an entry in ClinVar:

ClinVar aggregate classification (germline): Uncertain significance. Review status: criteria provided, multiple submitters, no conflicts (2 of 4 stars). 3 submissions from 3 submitters: Uncertain significance (3). Last evaluated 2024-01-09.

Conditions:
Recurrent metabolic encephalomyopathic crises-rhabdomyolysis-cardiac arrhythmia-intellectual disability syndrome (MECRCN). Also called: METABOLIC CRISES, RECURRENT, WITH RHABDOMYOLYSIS, CARDIAC ARRHYTHMIAS, AND NEURODEGENERATION; TANGO2 Deficiency; Metabolic encephalomyopathic crises, recurrent, with rhabdomyolysis, cardiac arrhythmias, and neurodegeneration. Identifiers: Orphanet 480864, MedGen C5567524, MONDO:0018820, OMIM 616878.
Inborn genetic diseases. Identifiers: MedGen C0950123, MeSH D030342.

Allele frequency attached by ClinVar (database versions not stated): gnomAD exomes 0.00004 and 0.00001; TOPMed 0.00013; ESP Exome Variant Server 0.00008; gnomAD 0.00015 and 0.00013; ExAC 0.00004.
gnomAD v4.1: 28 of 1,614,042 alleles (0.0017%); highest among the groups gnomAD compares: African/African-American, 0.031%; no homozygotes.

Submissions (3):

Ambry Genetics
Classification: Uncertain significance for Inborn genetic diseases. Last evaluated: 2024-01-09. Review status: criteria provided, single submitter. Criteria: Ambry Variant Classification Scheme 2023. Collection method: clinical testing. Allele origin: germline.

Labcorp Genetics (formerly Invitae), Labcorp
Classification: Uncertain significance. Last evaluated: 2022-08-23. Review status: criteria provided, single submitter. Criteria: Invitae Variant Classification Sherloc (09022015). Collection method: clinical testing. Allele origin: germline.
Comment: This sequence change replaces threonine, which is neutral and polar, with serine, which is neutral and polar, at codon 240 of the TANGO2 protein (p.Thr240Ser). This variant is present in population databases (rs370778555, gnomAD 0.04%). This variant has not been reported in the literature in individuals affected with TANGO2-related conditions. ClinVar contains an entry for this variant (Variation ID: 1364080). Algorithms developed to predict the effect of missense changes on protein structure and function are either unavailable or do not agree on the potential impact of this missense change (SIFT: "Not Available"; PolyPhen-2: "Probably Damaging"; Align-GVGD: "Not Available"). Algorithms developed to predict the effect of sequence changes on RNA splicing suggest that this variant may create or strengthen a splice site. In summary, the available evidence is currently insufficient to determine the role of this variant in disease. Therefore, it has been classified as a Variant of Uncertain Significance.

Center for Genomics, Ann and Robert H. Lurie Children's Hospital of Chicago
Classification: Uncertain significance for Recurrent metabolic encephalomyopathic crises-rhabdomyolysis-cardiac arrhythmia-intellectual disability syndrome. Last evaluated: 2021-03-30. Review status: criteria provided, single submitter. Criteria: ACMG Guidelines, 2015. Collection method: clinical testing. Allele origin: germline.
Comment: TANGO2 NM_152906.6 exon 9 p.Thr240Ser (c.719C>G): This variant has not been reported in the literature and is present in 0.03% (9/24952) of African alleles in the Genome Aggregation Database. Evolutionary conservation and computational predictive tools suggest that this variant may impact the protein. In summary, data on this variant is insufficient for disease classification. Therefore, the clinical significance of this variant is uncertain.

NM_152906.7(TANGO2):c.719C>G (p.Thr240Ser)

Gene: TANGO2 (transport and golgi organization 2 homolog; plus strand). Cytogenetic location: 22q11.21.
Variant type: single nucleotide variant.
Coding change: c.719C>G on transcript NM_152906.7 (MANE Select); coding-DNA position 719, C replaced by G.
Protein change: p.Thr240Ser; replaces threonine 240 with serine.
Molecular consequence: missense variant. On other transcripts: 3 prime UTR variant (1), non-coding transcript variant (5).
Genome position (GRCh38, 1-based): chr22:20,064,550, C>G. VCF-style: chr22-20064550-C-G. GRCh37 (hg19) VCF-style: chr22-20052073-C-G.
Other names: c.719C>G, p.Thr240Ser (NM_001283106.3, NM_001283116.3); c.842C>G, p.Thr281Ser (NM_001283129.3, NM_001322143.2); c.717C>G, p.His239Gln (NM_001283148.3, NM_001283154.3); c.533C>G, p.Thr178Ser (NM_001283179.3, NM_001283186.3, NM_001322163.2 and 2 more transcripts); c.494C>G, p.Thr165Ser (NM_001283199.3); c.583C>G, p.Leu195Val (NM_001283215.3); c.425C>G, p.Thr142Ser (NM_001283235.3, NM_001322171.2, NM_001322172.2 and 3 more transcripts); c.*55C>G (NM_001283248.3); and 10 more; short protein forms H177Q, H239Q, T178S, T281S, L195V, T165S, T292S, H205Q.
Identifiers: ClinVar variation 1364080 (VCV001364080.4), dbSNP rs370778555, ClinGen allele CA10106560.